The following is an entry in ClinVar:

ClinVar aggregate classification (germline): Uncertain significance (1 of 4 stars; one submission).

gnomAD v4.1: 2 of 1,613,976 alleles (0.00012%); highest among the groups gnomAD compares: East Asian, 0.0022%; no homozygotes.

Submission:

Labcorp Genetics (formerly Invitae), Labcorp
Classification: Uncertain significance. Last evaluated: 2025-03-17. Review status: criteria provided, single submitter. Criteria: Invitae Variant Classification Sherloc (09022015). Collection method: clinical testing. Allele origin: germline.
Comment: This sequence change replaces tyrosine, which is neutral and polar, with cysteine, which is neutral and slightly polar, at codon 1006 of the ADGRA3 protein (p.Tyr1006Cys). This variant is present in population databases (no rsID available, gnomAD 0.003%). This variant has not been reported in the literature in individuals affected with ADGRA3-related conditions. ClinVar contains an entry for this variant (Variation ID: 1055468). An algorithm developed to predict the effect of missense changes on protein structure and function (PolyPhen-2) suggests that this variant is likely to be disruptive. In summary, the available evidence is currently insufficient to determine the role of this variant in disease. Therefore, it has been classified as a Variant of Uncertain Significance.

NM_145290.4(ADGRA3):c.3017A>G (p.Tyr1006Cys)

Gene: ADGRA3 (adhesion G protein-coupled receptor A3; minus strand). Cytogenetic location: 4p15.2.
Variant type: single nucleotide variant.
Coding change: c.3017A>G on transcript NM_145290.4 (MANE Select); coding-DNA position 3017, A replaced by G.
Protein change: p.Tyr1006Cys; replaces tyrosine 1006 with cysteine.
Molecular consequence: missense variant.
Genome position (GRCh38, 1-based): chr4:22,388,654, T>C on the plus strand (A>G on the coding strand, the complement: ADGRA3 is on the minus strand). VCF-style: chr4-22388654-T-C. GRCh37 (hg19) VCF-style: chr4-22390277-T-C.
Other names: short protein forms Y1006C.
Identifiers: ClinVar variation 1055468 (VCV001055468.9), dbSNP rs1342658773, ClinGen allele CA356474203.
Genomic context (GRCh38, chr4:22,388,654, plus strand): 5'-ACCAAGTCCAAAGGGTAATACAAAGAAACAGCCAAAGCCCCAAACATCCACAGTGCAACA[T>C]ATAAGAGCAAAGTAAGGCTGGCCCCCAAGAGCTGAGAATGAAAAGTGTGCTCATTTTCCA-3'
Protein context (NP_660333.2, residues 996-1016): LLGASLTLLL[Tyr1006Cys]VALWMFGALA